The following is an entry in ClinVar:

ClinVar aggregate classification (germline): Uncertain significance (1 of 4 stars; one submission).

Allele frequency attached by ClinVar (database versions not stated): gnomAD exomes below 0.00001; TOPMed below 0.00001.
gnomAD v4.1: 1 of 1,611,046 alleles (0.000062%); highest among the groups gnomAD compares: African/African-American, 0.0013%; no homozygotes.

Submission:

GeneDx
Classification: Uncertain significance. Last evaluated: 2020-10-14. Review status: criteria provided, single submitter. Criteria: GeneDx Variant Classification Process June 2021. Collection method: clinical testing. Allele origin: germline. Affected: yes.
Comment: Not observed in large population cohorts (Lek et al., 2016); In silico analysis supports that this missense variant does not alter protein structure/function; Has not been previously published as pathogenic or benign to our knowledge

NM_001287491.2(TET3):c.4745T>A (p.Phe1582Tyr)

Gene: TET3 (tet methylcytosine dioxygenase 3; plus strand). Cytogenetic location: 2p13.1.
Variant type: single nucleotide variant.
Coding change: c.4745T>A on transcript NM_001287491.2 (MANE Select); coding-DNA position 4745, T replaced by A.
Protein change: p.Phe1582Tyr; replaces phenylalanine 1582 with tyrosine.
Molecular consequence: missense variant.
Genome position (GRCh38, 1-based): chr2:74,101,533, T>A. VCF-style: chr2-74101533-T-A. GRCh37 (hg19) VCF-style: chr2-74328660-T-A.
Other names: c.4466T>A, p.Phe1489Tyr (NM_001366022.1); short protein forms F1489Y, F1582Y.
Identifiers: ClinVar variation 1313379 (VCV001313379.2), dbSNP rs1691216225, ClinGen allele CA347321817.
Genomic context (GRCh38, chr2:74,101,533, plus strand): 5'-GAGAGGAGGGCAGGATTCCAGCCGCAGGGGCCAGCCAGCTGGACAGGGCCTGGCAGTCCT[T>A]TGGTCTGCCCCTGGGATCCAGCGAGAAGCTGTTTGGGGCTCTGAAGTCAGAGGAGAAGCT-3'
Protein context (NP_001274420.1, residues 1572-1592): ASQLDRAWQS[Phe1582Tyr]GLPLGSSEKL